The following is an entry in ClinVar:

ClinVar aggregate classification (germline): Benign. Review status: criteria provided, multiple submitters, no conflicts (2 of 4 stars). 2 submissions from 2 submitters: Benign (2). Last evaluated 2018-01-12.

Conditions:
Retinitis pigmentosa (RP). Identifiers: Orphanet 791, MedGen C0035334, MeSH D012174, MONDO:0019200, OMIM 268000. Inheritance: Autosomal dominant, autosomal recessive and X linked inheritance.

Allele frequency attached by ClinVar (database versions not stated): gnomAD exomes 0.00277; gnomAD 0.01901; ESP Exome Variant Server 0.02161; TOPMed 0.02288; 1000 Genomes Project 0.02336; 1000 Genomes Project 30x 0.02483.
gnomAD v4.1: 7,477 of 1,613,114 alleles (0.46%); highest among the groups gnomAD compares: African/African-American, 7%; 224 homozygotes.

Submissions (2):

Illumina Laboratory Services, Illumina
Classification: Benign for Retinitis pigmentosa. Last evaluated: 2018-01-12. Review status: criteria provided, single submitter. Criteria: ICSL Variant Classification Criteria 13 December 2019. Collection method: clinical testing. Allele origin: germline.
Comment: This variant was observed in the ICSL laboratory as part of a predisposition screen in an ostensibly healthy population. It had not been previously curated by ICSL or reported in the Human Gene Mutation Database (HGMD: prior to June 1st, 2018), and was therefore a candidate for classification through an automated scoring system. Utilizing variant allele frequency, disease prevalence and penetrance estimates, and inheritance mode, an automated score was calculated to assess if this variant is too frequent to cause the disease. Based on the score and internal cut-off values, a variant classified as benign is not then subjected to further curation. The score for this variant resulted in a classification of benign for this disease.

Breakthrough Genomics
Classification: Benign. Review status: criteria provided, single submitter. Criteria: ACMG Guidelines, 2015. Collection method: not provided. Allele origin: germline. Inheritance: Autosomal dominant inheritance. Affected: yes.

NM_012469.4(PRPF6):c.*7G>A

Gene: PRPF6 (pre-mRNA processing factor 6; plus strand). Cytogenetic location: 20q13.33.
Variant type: single nucleotide variant.
Coding change: c.*7G>A on transcript NM_012469.4 (MANE Select); 7 bases downstream of the stop codon, G replaced by A.
Molecular consequence: 3 prime UTR variant.
Genome position (GRCh38, 1-based): chr20:64,033,000, G>A. VCF-style: chr20-64033000-G-A. GRCh37 (hg19) VCF-style: chr20-62664353-G-A.
Identifiers: ClinVar variation 339491 (VCV000339491.6), dbSNP rs114637353, ClinGen allele CA9972609.
Genomic context (GRCh38, chr20:64,033,000, plus strand): 5'-AAGATCGGGGACATCCTTAGGCTGGTGGCCGGCCGCATCAAGAACACCTTCTGATTGAGC[G>A]GTTGCCATGGCCGGTCTCCGTGGGGCAGGGTTGGGCCGCATGTGGAAGGGCTCTGAGCTG-3'